The following is an entry in ClinVar:

NM_213655.5(WNK1):c.2398C>T (p.Gln800Ter)

Gene: WNK1 (WNK lysine deficient protein kinase 1; plus strand). Cytogenetic location: 12p13.33.
Variant type: single nucleotide variant.
Coding change: c.2398C>T on transcript NM_213655.5 (MANE Plus Clinical); coding-DNA position 2398, C replaced by T.
Protein change: p.Gln800Ter; replaces glutamine 800 with a stop codon.
Molecular consequence: nonsense. On other transcripts: intron variant (2).
Genome position (GRCh38, 1-based): chr12:867,869, C>T. VCF-style: chr12-867869-C-T. GRCh37 (hg19) VCF-style: chr12-977035-C-T.
Other names: c.2143C>T, p.Gln715Ter (NM_001184985.2); c.2140-3396C>T (NM_018979.4, NM_014823.3); short protein forms Q800*, Q715*.
Identifiers: ClinVar variation 246554 (VCV000246554.7), dbSNP rs879254311, ClinGen allele CA10584438.

ClinVar aggregate classification (germline): Pathogenic/Likely pathogenic. Review status: criteria provided, multiple submitters, no conflicts (2 of 4 stars). 2 submissions from 2 submitters: Pathogenic (1); Likely pathogenic (1). Last evaluated 2025-07-31.

Conditions:
Pseudohypoaldosteronism type 2C (PHA2C). Also called: Pseudohypoaldosteronism Type IIC. Identifiers: Orphanet 757, Orphanet 88940, MedGen C1840391, MONDO:0013778, OMIM 614492.
Neuropathy, hereditary sensory and autonomic, type 2A (HSAN2A). Also called: HSAN IIA; WNK1-Related HSAN2 (HSAN2A); ACROOSTEOLYSIS, GIACCAI TYPE; ACROOSTEOLYSIS, NEUROGENIC; MORVAN DISEASE; NEUROPATHY, CONGENITAL SENSORY. Identifiers: Orphanet 970, MedGen C2752089, MONDO:0024309, OMIM 201300.

Allele frequency attached by ClinVar (database versions not stated): gnomAD exomes below 0.00001; TOPMed 0.00001; gnomAD 0.00006.
gnomAD v4.1: 2 of 1,613,836 alleles (0.00012%); highest among the groups gnomAD compares: Admixed American, 0.0017%; no homozygotes.

Submissions (2):

GeneDx
Classification: Likely pathogenic. Last evaluated: 2025-07-31. Review status: criteria provided, single submitter. Criteria: GeneDx Variant Classification Process June 2021. Collection method: clinical testing. Allele origin: germline. Affected: yes.
Comment: Nonsense variant predicted to result in protein truncation or nonsense mediated decay in a gene for which loss of function is a known mechanism of disease; Not observed at significant frequency in large population cohorts (gnomAD); Has not been previously published as pathogenic or benign to our knowledge

Labcorp Genetics (formerly Invitae), Labcorp
Classification: Pathogenic for Neuropathy, hereditary sensory and autonomic, type 2A; Pseudohypoaldosteronism type 2C. Last evaluated: 2023-11-08. Review status: criteria provided, single submitter. Criteria: Invitae Variant Classification Sherloc (09022015). Collection method: clinical testing. Allele origin: germline.
Comment: This sequence change creates a premature translational stop signal (p.Gln800*) in the WNK1 gene. It is expected to result in an absent or disrupted protein product. Loss-of-function variants in WNK1 are known to be pathogenic (PMID: 22910560). This variant is present in population databases (no rsID available, gnomAD 0.003%). This variant has not been reported in the literature in individuals affected with WNK1-related conditions. ClinVar contains an entry for this variant (Variation ID: 246554). For these reasons, this variant has been classified as Pathogenic.

Literature cited by the submitters: PubMed 22910560 (cited by Labcorp Genetics (formerly Invitae), Labcorp).